The following is an entry in ClinVar:

ClinVar aggregate classification (germline): Uncertain significance (1 of 4 stars; one submission).

Submission:

Ambry Genetics
Classification: Uncertain significance. Last evaluated: 2025-01-17. Review status: criteria provided, single submitter. Criteria: Ambry Variant Classification Scheme 2023. Collection method: clinical testing. Allele origin: germline.
Comment: The p.A108S variant (also known as c.322G>T), located in coding exon 1 of the MC1R gene, results from a G to T substitution at nucleotide position 322. The alanine at codon 108 is replaced by serine, an amino acid with similar properties. This amino acid position is conserved. In addition, this alteration is predicted to be tolerated by in silico analysis. Based on the available evidence, the clinical significance of this variant remains unclear.

NM_002386.4(MC1R):c.322G>T (p.Ala108Ser)

Gene: MC1R (melanocortin 1 receptor; plus strand). Cytogenetic location: 16q24.3.
Variant type: single nucleotide variant.
Coding change: c.322G>T on transcript NM_002386.4 (MANE Select); coding-DNA position 322, G replaced by T.
Protein change: p.Ala108Ser; replaces alanine 108 with serine.
Molecular consequence: missense variant.
Genome position (GRCh38, 1-based): chr16:89,919,580, G>T. VCF-style: chr16-89919580-G-T. GRCh37 (hg19) VCF-style: chr16-89985988-G-T.
Other names: short protein forms A108S.
Identifiers: ClinVar variation 3871093 (VCV003871093.1).